The following is an entry in ClinVar:

NM_000552.5(VWF):c.4637T>A (p.Val1546Glu)

Gene: VWF (von Willebrand factor; minus strand). Cytogenetic location: 12p13.31.
Variant type: single nucleotide variant.
Coding change: c.4637T>A on transcript NM_000552.5 (MANE Select); coding-DNA position 4637, T replaced by A.
Protein change: p.Val1546Glu; replaces valine 1546 with glutamic acid.
Molecular consequence: missense variant.
Genome position (GRCh38, 1-based): chr12:6,018,781, A>T on the plus strand (T>A on the coding strand, the complement: VWF is on the minus strand). VCF-style: chr12-6018781-A-T. GRCh37 (hg19) VCF-style: chr12-6127947-A-T.
Other names: p.V1546E; short protein forms V1546E.
Identifiers: ClinVar variation 1695361 (VCV001695361.2), dbSNP rs1591862366, ClinGen allele CA383500571.

ClinVar aggregate classification (germline): Uncertain significance. Review status: criteria provided, multiple submitters, no conflicts (2 of 4 stars). 2 submissions from 2 submitters: Uncertain significance (2). Last evaluated 2025-03-05.

Conditions:
von Willebrand disease type 1 (VWD1). Also called: VON WILLEBRAND DISEASE, TYPE I; VWD, TYPE 1. Identifiers: Orphanet 166078, Orphanet 903, MedGen C1264039, MONDO:0008668, OMIM 193400. Inheritance: autosomal recessive or autosomal dominant.

Submissions (2):

Women's Health and Genetics/Laboratory Corporation of America, LabCorp
Classification: Uncertain significance. Last evaluated: 2025-03-05. Review status: criteria provided, single submitter. Criteria: LabCorp Variant Classification Summary - May 2015. Collection method: clinical testing. Allele origin: germline.
Comment: Variant summary: VWF c.4637T>A (p.Val1546Glu) results in a non-conservative amino acid change in the encoded protein sequence. Five of five in-silico tools predict a damaging effect of the variant on protein function. The variant was absent in 250552 control chromosomes. The available data on variant occurrences in the general population are insufficient to allow any conclusion about variant significance. c.4637T>A has been reported in the literature in the heterozygous state in at least one individual affected with Von Willebrand Disease (Atiq_2022). These data do not allow any conclusion about variant significance. To our knowledge, no experimental evidence demonstrating an impact on protein function has been reported. The following publication have been ascertained in the context of this evaluation (PMID: 35747851). ClinVar contains an entry for this variant (Variation ID: 1695361). Based on the evidence outlined above, the variant was classified as uncertain significance.

Laboratory of Hematology, Radboud University Medical Center
Classification: Uncertain significance for von Willebrand disease type 1. Last evaluated: 2020-12-10. Review status: criteria provided, single submitter. Criteria: ACMG Guidelines, 2015. Collection method: research. Allele origin: germline. Affected: yes. Observed: 1 variant allele. Study: WIN study.

Literature cited by the submitters: PubMed 35747851 (cited by Women's Health and Genetics/Laboratory Corporation of America, LabCorp).